The following is an entry in ClinVar:

NM_001042492.3(NF1):c.5417del (p.Gln1806fs)

Gene: NF1 (neurofibromin 1; plus strand). Cytogenetic location: 17q11.2.
Variant type: Deletion.
Coding change: c.5417del on transcript NM_001042492.3 (MANE Select); coding-DNA position 5417, one base deleted (A; older notation c.5417delA).
Protein change: p.Gln1806fs; shifts the reading frame from glutamine 1806.
Molecular consequence: frameshift variant.
Genome position (GRCh38, 1-based): chr17:31,327,647, A deleted. VCF-style (leftmost placement, unchanged base first): chr17-31327646-CA-C. GRCh37 (hg19) VCF-style: chr17-29654664-CA-C.
Other names: c.5354delA, p.Gln1785Argfs (NM_000267.4); short protein forms Q1785fs, Q1806fs.
Identifiers: ClinVar variation 2134290 (VCV002134290.4), dbSNP rs2508706552, ClinGen allele CA2580093293.
Genomic context (GRCh38, chr17:31,327,646, plus strand): 5'-TCGGAAATTGAAGAAATCTGCCTAGTAGATGAGAACCAGTTCACCTTAACCATTGCAAAC[CA>C]GGGCACGCCGCTCACCTTCATGCACCAGGAGTGTGAAGCCATTGTCCAGTCTATCATTCA-3'

ClinVar aggregate classification (germline): Pathogenic (1 of 4 stars; one submission).

Conditions:
Neurofibromatosis, type 1 (NF1). Also called: Peripheral type neurofibromatosis; NEUROFIBROMATOSIS, TYPE I, SOMATIC; Neurofibromatosis, type I; VON RECKLINGHAUSEN DISEASE. Identifiers: Orphanet 636, MedGen C0027831, MONDO:0018975, OMIM 162200. Disease mechanism: loss of function.

Submission:

Labcorp Genetics (formerly Invitae), Labcorp
Classification: Pathogenic for Neurofibromatosis, type 1. Last evaluated: 2022-05-05. Review status: criteria provided, single submitter. Criteria: Invitae Variant Classification Sherloc (09022015). Collection method: clinical testing. Allele origin: germline.
Comment: This sequence change creates a premature translational stop signal (p.Gln1785Argfs*57) in the NF1 gene. It is expected to result in an absent or disrupted protein product. Loss-of-function variants in NF1 are known to be pathogenic (PMID: 10712197, 23913538). This variant is not present in population databases (gnomAD no frequency). This variant has not been reported in the literature in individuals affected with NF1-related conditions. For these reasons, this variant has been classified as Pathogenic.

Literature cited by the submitters: PubMed 10712197; PubMed 23913538.